The following is an entry in ClinVar:

ClinVar aggregate classification (germline): Likely benign. Review status: criteria provided, multiple submitters, no conflicts (2 of 4 stars). 2 submissions from 2 submitters: Likely benign (2). Last evaluated 2024-01-22.

Allele frequency attached by ClinVar (database versions not stated): TOPMed below 0.00001; gnomAD 0.00001; gnomAD exomes 0.00001.
gnomAD v4.1: 17 of 1,613,388 alleles (0.0011%); highest among the groups gnomAD compares: Non-Finnish European, 0.001%; no homozygotes.

Submissions (2):

Labcorp Genetics (formerly Invitae), Labcorp
Classification: Likely benign. Last evaluated: 2024-01-22. Review status: criteria provided, single submitter. Criteria: Invitae Variant Classification Sherloc (09022015). Collection method: clinical testing. Allele origin: germline.

CeGaT Center for Human Genetics Tuebingen
Classification: Likely benign. Last evaluated: 2023-09-01. Review status: criteria provided, single submitter. Criteria: CeGaT Center For Human Genetics Tuebingen Variant Classification Criteria Version 2. Collection method: clinical testing. Allele origin: germline. Affected: yes. Observed: 1 variant allele.
Comment: CACNA1B: BP4, BP7

NM_000718.4(CACNA1B):c.5461T>C (p.Leu1821=)

Gene: CACNA1B (calcium voltage-gated channel subunit alpha1 B; plus strand). Cytogenetic location: 9q34.3.
Variant type: single nucleotide variant.
Coding change: c.5461T>C on transcript NM_000718.4 (MANE Select); coding-DNA position 5461, T replaced by C.
Protein change: p.Leu1821=; no amino-acid change (leucine 1821 retained).
Molecular consequence: synonymous variant.
Genome position (GRCh38, 1-based): chr9:138,112,430, T>C. VCF-style: chr9-138112430-T-C. GRCh37 (hg19) VCF-style: chr9-141006882-T-C.
Other names: c.5461T>C, p.Leu1821= (NM_001243812.2).
Identifiers: ClinVar variation 2659852 (VCV002659852.27), dbSNP rs1252942983, ClinGen allele CA467895216.
Genomic context (GRCh38, chr9:138,112,430, plus strand): 5'-CCCCTTCCCCACCATCATCCTGGTGCAGCTGGGACAAAGCAGCATCAGTGTGACGCGGAG[T>C]TGAGGAAGGAGATTTCCGTTGTGTGGGCCAATCTGCCCCAGAAGACTTTGGACTTGCTGG-3'
Protein context (NP_000709.1, residues 1811-1831): GTKQHQCDAE[Leu1821=]RKEISVVWAN